The following is an entry in ClinVar:

NM_001083962.2(TCF4):c.368A>G (p.Gln123Arg)

Gene: TCF4 (transcription factor 4; minus strand). Cytogenetic location: 18q21.2.
Variant type: single nucleotide variant.
Coding change: c.368A>G on transcript NM_001083962.2 (MANE Select); coding-DNA position 368, A replaced by G.
Protein change: p.Gln123Arg; replaces glutamine 123 with arginine.
Molecular consequence: missense variant. On other transcripts: 5 prime UTR variant (3).
Genome position (GRCh38, 1-based): chr18:55,403,455, T>C on the plus strand (A>G on the coding strand, the complement: TCF4 is on the minus strand). VCF-style: chr18-55403455-T-C. GRCh37 (hg19) VCF-style: chr18-53070686-T-C.
Other names: c.674A>G, p.Gln225Arg (NM_001243226.3); c.296A>G, p.Gln99Arg (NM_001243227.2, NM_001306207.1, NM_001348217.1 and 15 more transcripts); c.368A>G, p.Gln123Arg (NM_001243228.2, NM_001330604.3, NM_001369567.1 and 8 more transcripts); c.362A>G, p.Gln121Arg (NM_001243230.2); c.242A>G, p.Gln81Arg (NM_001243231.2, NM_001348211.2); c.158A>G, p.Gln53Arg (NM_001243232.1, NM_001306208.1); c.-23A>G (NM_001243233.2, NM_001348213.2); c.-20A>G (NM_001348212.2); short protein forms Q121R, Q123R, Q225R, Q53R, Q81R, Q99R.
Identifiers: ClinVar variation 1191984 (VCV001191984.2), dbSNP rs2146490226, ClinGen allele CA402702794.

ClinVar aggregate classification (germline): Uncertain significance (1 of 4 stars; one submission).

Submission:

GeneDx
Classification: Uncertain significance. Last evaluated: 2019-10-16. Review status: criteria provided, single submitter. Criteria: GeneDx Variant Classification Process June 2021. Collection method: clinical testing. Allele origin: germline. Affected: yes.
Comment: Not observed in large population cohorts (Lek et al., 2016); In silico analysis, which includes protein predictors and evolutionary conservation, supports a deleterious effect; Has not been previously published as pathogenic or benign to our knowledge